The following is an entry in ClinVar:

NM_001378120.1(MBD5):c.1114_1115dup (p.Asn372fs)

Gene: MBD5 (methyl-CpG binding domain protein 5; plus strand). Cytogenetic location: 2q23.1.
Variant type: Duplication.
Coding change: c.1114_1115dup on transcript NM_001378120.1 (MANE Select); coding-DNA positions 1114 to 1115, 2 bases duplicated (AA; older notation c.1114_1115dupAA).
Protein change: p.Asn372fs; shifts the reading frame from asparagine 372.
Molecular consequence: frameshift variant.
Genome position (GRCh38, 1-based): chr2:148,469,057-148,469,058, AA duplicated. VCF-style (leftmost placement, unchanged base first): chr2-148469056-G-GAA. GRCh37 (hg19) VCF-style: chr2-149226625-G-GAA.
Other names: c.1114_1115dupAA (NM_018328.4); c.1114_1115dup, p.Asn372fs (NM_018328.5); short protein forms N372fs.
Identifiers: ClinVar variation 450966 (VCV000450966.1), dbSNP rs1553518527, ClinGen allele CA658657067.

ClinVar aggregate classification (germline): Pathogenic (1 of 4 stars; one submission).

Submission:

GeneDx
Classification: Pathogenic. Last evaluated: 2017-08-08. Review status: criteria provided, single submitter. Criteria: GeneDx Variant Classification (06012015). Collection method: clinical testing. Allele origin: germline. Affected: yes.
Comment: The c.1114_1115dupAA pathogenic variant in the MBD5 gene causes a frameshift starting with codon Asparagine 372, changes this amino acid to a Lysine residue and creates a premature Stop codon at position 21 of the new reading frame, denoted p.N372KfsX21. This pathogenic variant is predicted to cause loss of normal protein function either through protein truncation or nonsense-mediated mRNA decay. The c.1114_1115dupAA variant is not observed in large population cohorts (Lek et al., 2016; 1000 Genomes Consortium et al., 2015; Exome Variant Server). Therefore, the presence of c.1114_1115dupAA is consistent with the diagnosis of a MBD5-related disorder in this individual.